The following is an entry in ClinVar:

ClinVar aggregate classification (germline): Uncertain significance. Review status: criteria provided, single submitter (1 of 4 stars). 2 submissions from 2 submitters: Uncertain significance (1). 1 of the submissions does not count toward it. Last evaluated 2024-03-01.

Conditions:
PLXNA1-related disorder. Also called: PLXNA1-related condition.

Allele frequency attached by ClinVar (database versions not stated): gnomAD 0.00011; TOPMed 0.00014; ExAC 0.00026; gnomAD exomes 0.00028.
gnomAD v4.1: 423 of 1,613,656 alleles (0.026%); highest among the groups gnomAD compares: Admixed American, 0.055%; 1 homozygote.

Submissions (2):

Ambry Genetics
Classification: Uncertain significance. Last evaluated: 2024-03-01. Review status: criteria provided, single submitter. Criteria: Ambry Variant Classification Scheme 2023. Collection method: clinical testing. Allele origin: germline.

PreventionGenetics, part of Exact Sciences
Classification: Likely benign for PLXNA1-related condition. Last evaluated: 2022-03-03. Review status: no assertion criteria provided. Collection method: clinical testing. Allele origin: germline. Not counted in ClinVar's aggregate classification.
Comment: This variant is classified as likely benign based on ACMG/AMP sequence variant interpretation guidelines (Richards et al. 2015 PMID: 25741868, with internal and published modifications).

NM_032242.4(PLXNA1):c.640G>A (p.Asp214Asn)

Gene: PLXNA1 (plexin A1; plus strand). Cytogenetic location: 3q21.3.
Variant type: single nucleotide variant.
Coding change: c.640G>A on transcript NM_032242.4 (MANE Select); coding-DNA position 640, G replaced by A.
Protein change: p.Asp214Asn; replaces aspartic acid 214 with asparagine.
Molecular consequence: missense variant.
Genome position (GRCh38, 1-based): chr3:126,989,233, G>A. VCF-style: chr3-126989233-G-A. GRCh37 (hg19) VCF-style: chr3-126708076-G-A.
Other names: short protein forms D214N.
Identifiers: ClinVar variation 3051699 (VCV003051699.3), dbSNP rs200971189, ClinGen allele CA2593013.
Genomic context (GRCh38, chr3:126,989,233, plus strand): 5'-AAGTCCGAGTACTTCCCCACACTGTCCAGCCGTCGGCTCATGGCCAACGAGGAGGATGCC[G>A]ACATGTTCGGCTTCGTGTACCAGGATGAGTTTGTGTCATCACAGCTCAAGATCCCTTCGG-3'
Protein context (NP_115618.3, residues 204-224): RRLMANEEDA[Asp214Asn]MFGFVYQDEF